The following is an entry in ClinVar:

ClinVar aggregate classification (germline): Likely pathogenic (1 of 4 stars; one submission).

Conditions:
GM1 gangliosidosis. Identifiers: Orphanet 354, MedGen C0085131, MONDO:0018149.
Mucopolysaccharidosis, MPS-IV-B (MPS4B). Also called: MORQUIO SYNDROME B; Mucopolysaccharidosis Type IVB; Mucopolysaccharidosis type IV B; Mucopolysaccharidosis Type IVB (Morquio B Disease); Mucopolysaccharidosis type 4B; Mucopolysaccharidosis type IVB (Morquio). Identifiers: Orphanet 309310, Orphanet 582, MedGen C0086652, MONDO:0009660, OMIM 253010.

Submission:

Labcorp Genetics (formerly Invitae), Labcorp
Classification: Likely pathogenic for Mucopolysaccharidosis, MPS-IV-B; GM1 gangliosidosis. Last evaluated: 2023-01-21. Review status: criteria provided, single submitter. Criteria: Invitae Variant Classification Sherloc (09022015). Collection method: clinical testing. Allele origin: germline.
Comment: This sequence change replaces histidine, which is basic and polar, with proline, which is neutral and non-polar, at codon 276 of the GLB1 protein (p.His276Pro). This variant is not present in population databases (gnomAD no frequency). This missense change has been observed in individual(s) with GM1-gangliosidosis (Invitae). ClinVar contains an entry for this variant (Variation ID: 663086). Advanced modeling of protein sequence and biophysical properties (such as structural, functional, and spatial information, amino acid conservation, physicochemical variation, residue mobility, and thermodynamic stability) performed at Invitae indicates that this missense variant is expected to disrupt GLB1 protein function. In summary, the currently available evidence indicates that the variant is pathogenic, but additional data are needed to prove that conclusively. Therefore, this variant has been classified as Likely Pathogenic.

NM_000404.4(GLB1):c.827A>C (p.His276Pro)

Gene: GLB1 (galactosidase beta 1; minus strand). Cytogenetic location: 3p22.3.
Variant type: single nucleotide variant.
Coding change: c.827A>C on transcript NM_000404.4 (MANE Select); coding-DNA position 827, A replaced by C.
Protein change: p.His276Pro; replaces histidine 276 with proline.
Molecular consequence: missense variant.
Genome position (GRCh38, 1-based): chr3:33,051,970, T>G on the plus strand (A>C on the coding strand, the complement: GLB1 is on the minus strand). VCF-style: chr3-33051970-T-G. GRCh37 (hg19) VCF-style: chr3-33093462-T-G.
Other names: c.737A>C, p.His246Pro (NM_001079811.3); c.434A>C, p.His145Pro (NM_001135602.3); c.971A>C, p.His324Pro (NM_001317040.2); c.827A>C, p.His276Pro (NM_001393580.1); short protein forms H145P, H246P, H276P, H324P.
Identifiers: ClinVar variation 663086 (VCV000663086.7), dbSNP rs1559401406, ClinGen allele CA352001574.
Genomic context (GRCh38, chr3:33,051,970, plus strand): 5'-ATATCATAGAGGGAGGAAGCCACTGCTTCGGTCTTGATTGTGGAGTGAGGTTGGCCCCAG[T>G]GATCTAGCCAGCCAGTATAGAATTCAGAATTGATCTAAAACAAAAAAAGAACGTAGCCCT-3'
Protein context (NP_000395.3, residues 266-286): NSEFYTGWLD[His276Pro]WGQPHSTIKT